The following is an entry in ClinVar:

ClinVar aggregate classification (germline): Uncertain significance (1 of 4 stars; one submission).

Submission:

Labcorp Genetics (formerly Invitae), Labcorp
Classification: Uncertain significance. Last evaluated: 2021-08-18. Review status: criteria provided, single submitter. Criteria: Invitae Variant Classification Sherloc (09022015). Collection method: clinical testing. Allele origin: germline.
Comment: In summary, the available evidence is currently insufficient to determine the role of this variant in disease. Therefore, it has been classified as a Variant of Uncertain Significance. Algorithms developed to predict the effect of missense changes on protein structure and function are either unavailable or do not agree on the potential impact of this missense change (SIFT: "Tolerated"; PolyPhen-2: "Possibly Damaging"; Align-GVGD: "Class C0"). This variant has not been reported in the literature in individuals affected with TTLL5-related conditions. This variant is not present in population databases (ExAC no frequency). This sequence change replaces proline with alanine at codon 2 of the TTLL5 protein (p.Pro2Ala). The proline residue is moderately conserved and there is a small physicochemical difference between proline and alanine.

NM_015072.5(TTLL5):c.4C>G (p.Pro2Ala)

Gene: TTLL5 (tubulin tyrosine ligase like 5; plus strand). Cytogenetic location: 14q24.3.
Variant type: single nucleotide variant.
Coding change: c.4C>G on transcript NM_015072.5 (MANE Select); coding-DNA position 4, C replaced by G.
Protein change: p.Pro2Ala; replaces proline 2 with alanine.
Molecular consequence: missense variant.
Genome position (GRCh38, 1-based): chr14:75,663,153, C>G. VCF-style: chr14-75663153-C-G. GRCh37 (hg19) VCF-style: chr14-76129496-C-G.
Other names: short protein forms P2A.
Identifiers: ClinVar variation 1401255 (VCV001401255.8), dbSNP rs745443275, ClinGen allele CA390465061.